The following is an entry in ClinVar:

NM_020631.6(PLEKHG5):c.303-134C>T

Gene: PLEKHG5 (pleckstrin homology and RhoGEF domain containing G5; minus strand). Cytogenetic location: 1p36.31.
Variant type: single nucleotide variant.
Coding change: c.303-134C>T on transcript NM_020631.6 (MANE Select); 134 bases into the intron before coding-DNA position 303, C replaced by T.
Molecular consequence: intron variant.
Genome position (GRCh38, 1-based): chr1:6,474,721, G>A on the plus strand (C>T on the coding strand, the complement: PLEKHG5 is on the minus strand). VCF-style: chr1-6474721-G-A. GRCh37 (hg19) VCF-style: chr1-6534781-G-A.
Other names: c.303-134C>T (NM_198681.4, NM_001265594.3, NM_001042664.2 and 1 more transcripts); c.414-134C>T (NM_001042663.3, NM_001265592.2); c.510-134C>T (NM_001265593.2).
Identifiers: ClinVar variation 667937 (VCV000667937.2), dbSNP rs2986751, ClinGen allele CA10798741.

ClinVar aggregate classification (germline): Benign. Review status: criteria provided, multiple submitters, no conflicts (2 of 4 stars). 2 submissions from 2 submitters: Benign (2). Last evaluated 2018-06-19.

Allele frequency attached by ClinVar (database versions not stated): gnomAD 0.13544; 1000 Genomes Project 0.14097; TOPMed 0.15175; 1000 Genomes Project 30x 0.14756.
gnomAD v4.1: 71,179 of 793,226 alleles (9%); highest among the groups gnomAD compares: African/African-American, 37%; 5,289 homozygotes.

Submissions (2):

GeneDx
Classification: Benign. Last evaluated: 2018-06-19. Review status: criteria provided, single submitter. Criteria: GeneDx Variant Classification (06012015). Collection method: clinical testing. Allele origin: germline. Affected: yes.
Comment: This variant is considered likely benign or benign based on one or more of the following criteria: it is a conservative change, it occurs at a poorly conserved position in the protein, it is predicted to be benign by multiple in silico algorithms, and/or has population frequency not consistent with disease.

Breakthrough Genomics
Classification: Benign. Review status: criteria provided, single submitter. Criteria: ACMG Guidelines, 2015. Collection method: not provided. Allele origin: germline. Inheritance: Autosomal recessive inheritance. Affected: yes.